The following is an entry in ClinVar:

NM_004104.5(FASN):c.1145C>T (p.Pro382Leu)

Gene: FASN (fatty acid synthase; minus strand). Cytogenetic location: 17q25.3.
Variant type: single nucleotide variant.
Coding change: c.1145C>T on transcript NM_004104.5 (MANE Select); coding-DNA position 1145, C replaced by T.
Protein change: p.Pro382Leu; replaces proline 382 with leucine.
Molecular consequence: missense variant.
Genome position (GRCh38, 1-based): chr17:82,091,569, G>A on the plus strand (C>T on the coding strand, the complement: FASN is on the minus strand). VCF-style: chr17-82091569-G-A. GRCh37 (hg19) VCF-style: chr17-80049445-G-A.
Other names: short protein forms P382L.
Identifiers: ClinVar variation 944566 (VCV000944566.9), dbSNP rs935989284, ClinGen allele CA295137913.

ClinVar aggregate classification (germline): Uncertain significance (1 of 4 stars; one submission).

Conditions:
Epileptic encephalopathy. Identifiers: MedGen C0543888, HP:0200134.

Allele frequency attached by ClinVar (database versions not stated): gnomAD 0.00001; gnomAD exomes 0.00001; TOPMed 0.00001.
gnomAD v4.1: 11 of 1,588,280 alleles (0.00069%); highest among the groups gnomAD compares: African/African-American, 0.0013%; no homozygotes.

Submission:

Labcorp Genetics (formerly Invitae), Labcorp
Classification: Uncertain significance for Epileptic encephalopathy. Last evaluated: 2024-04-10. Review status: criteria provided, single submitter. Criteria: Invitae Variant Classification Sherloc (09022015). Collection method: clinical testing. Allele origin: germline.
Comment: This sequence change replaces proline, which is neutral and non-polar, with leucine, which is neutral and non-polar, at codon 382 of the FASN protein (p.Pro382Leu). The frequency data for this variant in the population databases is considered unreliable, as metrics indicate poor data quality at this position in the gnomAD database. This variant has not been reported in the literature in individuals affected with FASN-related conditions. ClinVar contains an entry for this variant (Variation ID: 944566). An algorithm developed to predict the effect of missense changes on protein structure and function (PolyPhen-2) suggests that this variant is likely to be disruptive. In summary, the available evidence is currently insufficient to determine the role of this variant in disease. Therefore, it has been classified as a Variant of Uncertain Significance.